The following is an entry in ClinVar:

NM_201253.3(CRB1):c.2339C>T (p.Pro780Leu)

Gene: CRB1 (crumbs cell polarity complex component 1; plus strand). Cytogenetic location: 1q31.3.
Variant type: single nucleotide variant.
Coding change: c.2339C>T on transcript NM_201253.3 (MANE Select); coding-DNA position 2339, C replaced by T.
Protein change: p.Pro780Leu; replaces proline 780 with leucine.
Molecular consequence: missense variant. On other transcripts: non-coding transcript variant (2), intron variant (1).
Genome position (GRCh38, 1-based): chr1:197,427,664, C>T. VCF-style: chr1-197427664-C-T. GRCh37 (hg19) VCF-style: chr1-197396794-C-T.
Other names: c.2003C>T, p.Pro668Leu (NM_001193640.2); c.2132C>T, p.Pro711Leu (NM_001257965.2); c.2128+5708C>T (NM_001257966.2); short protein forms P668L, P780L, P711L.
Identifiers: ClinVar variation 2008466 (VCV002008466.4), dbSNP rs1481310279, ClinGen allele CA344037002.

ClinVar aggregate classification (germline): Uncertain significance (1 of 4 stars; one submission).

Conditions:
Retinitis pigmentosa 12 (RP12). Also called: RP WITH OR WITHOUT PPRPE; RP WITH OR WITHOUT PRESERVED PARAARTERIOLE RETINAL PIGMENT EPITHELIUM; RETINITIS PIGMENTOSA WITH OR WITHOUT PARAARTERIOLAR PRESERVATION OF RETINAL PIGMENT EPITHELIUM. Identifiers: Orphanet 791, MedGen C1838647, MONDO:0010818, OMIM 600105.
Leber congenital amaurosis 8 (LCA8). Identifiers: Orphanet 65, MedGen C3151202, MONDO:0013453, OMIM 613835.

gnomAD v4.1: 1 of 1,613,776 alleles (0.000062%); highest among the groups gnomAD compares: African/African-American, 0.0013%; no homozygotes.

Submission:

Labcorp Genetics (formerly Invitae), Labcorp
Classification: Uncertain significance for Leber congenital amaurosis 8; Retinitis pigmentosa 12. Last evaluated: 2022-06-19. Review status: criteria provided, single submitter. Criteria: Invitae Variant Classification Sherloc (09022015). Collection method: clinical testing. Allele origin: germline.
Comment: This sequence change replaces proline, which is neutral and non-polar, with leucine, which is neutral and non-polar, at codon 780 of the CRB1 protein (p.Pro780Leu). This variant is not present in population databases (gnomAD no frequency). This variant has not been reported in the literature in individuals affected with CRB1-related conditions. Advanced modeling of protein sequence and biophysical properties (such as structural, functional, and spatial information, amino acid conservation, physicochemical variation, residue mobility, and thermodynamic stability) performed at Invitae indicates that this missense variant is expected to disrupt CRB1 protein function. In summary, the available evidence is currently insufficient to determine the role of this variant in disease. Therefore, it has been classified as a Variant of Uncertain Significance.